The following is an entry in ClinVar:

ClinVar aggregate classification (germline): Likely pathogenic (1 of 4 stars; one submission).

Conditions:
Menkes kinky-hair syndrome (MNK). Also called: Copper transport disease; Classic Menkes Disease; Menkes Disease. Identifiers: Orphanet 565, MedGen C0022716, MONDO:0010651, OMIM 309400.

Submission:

Myriad Genetics, Inc.
Classification: Likely pathogenic for Menkes kinky-hair syndrome. Last evaluated: 2022-01-24. Review status: criteria provided, single submitter. Criteria: Myriad Autosomal Dominant, Autosomal Recessive and X-Linked Classification Criteria (2023). Collection method: clinical testing. Allele origin: unknown.
Comment: NM_000052.5(ATP7A):c.526A>T(K176*) is expected to be pathogenic in the context of ATP7A-related disorders. This variant is predicted to lead to an abnormal or absent protein product due to the creation of a premature termination codon in ATP7A, a gene where loss-of-function variants are known to be pathogenic. Please note: this variant was assessed in the context of healthy population screening.

NM_000052.7(ATP7A):c.526A>T (p.Lys176Ter)

Gene: ATP7A (ATPase copper transporting alpha; plus strand). Cytogenetic location: Xq21.1.
Variant type: single nucleotide variant.
Coding change: c.526A>T on transcript NM_000052.7 (MANE Select); coding-DNA position 526, A replaced by T.
Protein change: p.Lys176Ter; replaces lysine 176 with a stop codon.
Molecular consequence: nonsense.
Genome position (GRCh38, 1-based): chrX:77,988,647, A>T. VCF-style: chrX-77988647-A-T. GRCh37 (hg19) VCF-style: chrX-77244143-A-T.
Other names: c.526A>T, p.Lys176Ter (NM_001282224.2); short protein forms K176*.
Identifiers: ClinVar variation 1724030 (VCV001724030.3), dbSNP rs2522290463, ClinGen allele CA413600209.